The following is an entry in ClinVar:

NM_015311.3(OBSL1):c.2981G>A (p.Arg994His)

Gene: OBSL1 (obscurin like cytoskeletal adaptor 1; minus strand). Cytogenetic location: 2q35.
Variant type: single nucleotide variant.
Coding change: c.2981G>A on transcript NM_015311.3 (MANE Select); coding-DNA position 2981, G replaced by A.
Protein change: p.Arg994His; replaces arginine 994 with histidine.
Molecular consequence: missense variant.
Genome position (GRCh38, 1-based): chr2:219,559,470, C>T on the plus strand (G>A on the coding strand, the complement: OBSL1 is on the minus strand). VCF-style: chr2-219559470-C-T. GRCh37 (hg19) VCF-style: chr2-220424192-C-T.
Other names: c.2981G>A, p.Arg994His (NM_001173431.2); short protein forms R994H.
Identifiers: ClinVar variation 730081 (VCV000730081.14), dbSNP rs139713392, ClinGen allele CA2131000.

ClinVar aggregate classification (germline): Benign. Review status: criteria provided, multiple submitters, no conflicts (2 of 4 stars). 2 submissions from 2 submitters: Benign (2). Last evaluated 2026-01-28.

Conditions:
3M syndrome 2. Also called: 3-M Syndrome, OBSL1-Related; THREE M SYNDROME 2. Identifiers: Orphanet 2616, MedGen C2752041, MONDO:0013039, OMIM 612921.

Allele frequency attached by ClinVar (database versions not stated): ESP Exome Variant Server 0.00016; gnomAD exomes 0.00051 and 0.00129; gnomAD 0.00054 and 0.00079; TOPMed 0.00081; ExAC 0.00119; 1000 Genomes Project 30x 0.00453; 1000 Genomes Project 0.00519.
gnomAD v4.1: 884 of 1,613,700 alleles (0.055%); highest among the groups gnomAD compares: East Asian, 1.5%; 6 homozygotes.

Submissions (2):

Labcorp Genetics (formerly Invitae), Labcorp
Classification: Benign. Last evaluated: 2026-01-28. Review status: criteria provided, single submitter. Criteria: Invitae Variant Classification Sherloc (09022015). Collection method: clinical testing. Allele origin: germline.

Illumina Laboratory Services, Illumina
Classification: Benign for 3M syndrome 2. Last evaluated: 2018-01-13. Review status: criteria provided, single submitter. Criteria: ICSL Variant Classification Criteria 13 December 2019. Collection method: clinical testing. Allele origin: germline.
Comment: This variant was observed in the ICSL laboratory as part of a predisposition screen in an ostensibly healthy population. It had not been previously curated by ICSL or reported in the Human Gene Mutation Database (HGMD: prior to June 1st, 2018), and was therefore a candidate for classification through an automated scoring system. Utilizing variant allele frequency, disease prevalence and penetrance estimates, and inheritance mode, an automated score was calculated to assess if this variant is too frequent to cause the disease. Based on the score and internal cut-off values, a variant classified as benign is not then subjected to further curation. The score for this variant resulted in a classification of benign for this disease.